The following is an entry in ClinVar:

ClinVar aggregate classification (germline): Benign (1 of 4 stars; one submission).

Conditions:
Congenital fibrosis of extraocular muscles type 1. Also called: OPHTHALMOPLEGIA, CONGENITAL; FEOM1 LOCUS; BLEPHAROPTOSIS WITH ABSENT EYE MOVEMENTS; CFEOM3B. Identifiers: MedGen C1851102, MONDO:0021083, OMIM 135700.

Allele frequency attached by ClinVar (database versions not stated): TOPMed 0.00004.
gnomAD v4.1: 38 of 1,216,526 alleles (0.0031%); highest among the groups gnomAD compares: East Asian, 0.075%; no homozygotes.

Submission:

Illumina Laboratory Services, Illumina
Classification: Benign for Congenital fibrosis of extraocular muscles type 1. Last evaluated: 2018-01-12. Review status: criteria provided, single submitter. Criteria: ICSL Variant Classification Criteria 13 December 2019. Collection method: clinical testing. Allele origin: germline.
Comment: This variant was observed in the ICSL laboratory as part of a predisposition screen in an ostensibly healthy population. It had not been previously curated by ICSL or reported in the Human Gene Mutation Database (HGMD: prior to June 1st, 2018), and was therefore a candidate for classification through an automated scoring system. Utilizing variant allele frequency, disease prevalence and penetrance estimates, and inheritance mode, an automated score was calculated to assess if this variant is too frequent to cause the disease. Based on the score and internal cut-off values, a variant classified as benign is not then subjected to further curation. The score for this variant resulted in a classification of benign for this disease.

NM_001173464.2(KIF21A):c.1458C>A (p.Ile486=)

Gene: KIF21A (kinesin family member 21A; minus strand). Cytogenetic location: 12q12.
Variant type: single nucleotide variant.
Coding change: c.1458C>A on transcript NM_001173464.2 (MANE Select); coding-DNA position 1458, C replaced by A.
Protein change: p.Ile486=; no amino-acid change (isoleucine 486 retained).
Molecular consequence: synonymous variant.
Genome position (GRCh38, 1-based): chr12:39,356,843, G>T on the plus strand (C>A on the coding strand, the complement: KIF21A is on the minus strand). VCF-style: chr12-39356843-G-T. GRCh37 (hg19) VCF-style: chr12-39750645-G-T.
Other names: c.1458C>A, p.Ile486= (NM_001173463.2, NM_001173465.2, NM_001378439.1 and 3 more transcripts).
Identifiers: ClinVar variation 883447 (VCV000883447.4), dbSNP rs200512673, ClinGen allele CA6511021.